The following is an entry in ClinVar:

ClinVar aggregate classification (germline): Uncertain significance. Review status: criteria provided, multiple submitters, no conflicts (2 of 4 stars). 2 submissions from 2 submitters: Uncertain significance (2). Last evaluated 2024-12-02.

Submissions (2):

GeneDx
Classification: Uncertain significance. Last evaluated: 2024-12-02. Review status: criteria provided, single submitter. Criteria: GeneDx Variant Classification Process June 2021. Collection method: clinical testing. Allele origin: germline.
Comment: Frameshift variant predicted to result in protein truncation or nonsense mediated decay in a gene or region of a gene for which loss of function is not a well-established mechanism of disease; Not observed at significant frequency in large population cohorts (gnomAD); Has not been previously published as pathogenic or benign to our knowledge

Blueprint Genetics
Classification: Uncertain significance. Last evaluated: 2023-12-22. Review status: criteria provided, single submitter. Criteria: ACMG Guidelines, 2015. Collection method: clinical testing. Allele origin: germline.

NM_014975.3(MAST1):c.1932_1933del (p.His644fs)

Gene: MAST1 (microtubule associated serine/threonine kinase 1; plus strand). Cytogenetic location: 19p13.13.
Variant type: Microsatellite.
Coding change: c.1932_1933del on transcript NM_014975.3 (MANE Select); coding-DNA positions 1932 to 1933, 2 bases deleted (CA; older notation c.1932_1933delCA).
Protein change: p.His644fs; shifts the reading frame from histidine 644.
Molecular consequence: frameshift variant.
Genome position (GRCh38, 1-based): chr19:12,866,005-12,866,006, CA deleted; deleting any 2 consecutive bases within chr19:12,866,003-12,866,006 gives the same sequence; the c. name uses the placement nearest the transcript's 3' end. VCF-style (leftmost placement, unchanged base first): chr19-12866002-GCA-G. GRCh37 (hg19) VCF-style: chr19-12976816-GCA-G.
Other names: short protein forms H644fs.
Identifiers: ClinVar variation 2577608 (VCV002577608.2), dbSNP rs2512537751, ClinGen allele CA2580617440.